The following is an entry in ClinVar:

NM_013447.4(ADGRE2):c.134G>A (p.Cys45Tyr)

Gene: ADGRE2 (adhesion G protein-coupled receptor E2; minus strand). Cytogenetic location: 19p13.12.
Variant type: single nucleotide variant.
Coding change: c.134G>A on transcript NM_013447.4 (MANE Select); coding-DNA position 134, G replaced by A.
Protein change: p.Cys45Tyr; replaces cysteine 45 with tyrosine.
Molecular consequence: missense variant.
Genome position (GRCh38, 1-based): chr19:14,774,003, C>T on the plus strand (G>A on the coding strand, the complement: ADGRE2 is on the minus strand). VCF-style: chr19-14774003-C-T. GRCh37 (hg19) VCF-style: chr19-14884815-C-T.
Other names: c.134G>A, p.Cys45Tyr (NM_001271052.1, NM_152916.2, NM_152917.2); short protein forms C45Y.
Identifiers: ClinVar variation 4713841 (VCV004713841.1).
Genomic context (GRCh38, chr19:14,774,003, plus strand): 5'-CAAGTCTCCATGGGGGTGGTGATGATCTCAGAAAAAGAGCTGAACCCTGGATTGCAGCGA[C>T]AGGCGGTGGCATTGACACACGAGGAGTCCTGAGGGCACCACCGGGCACAGCCTGCAAGAG-3'
Protein context (NP_038475.2, residues 35-55): QDSSCVNATA[Cys45Tyr]RCNPGFSSFS

ClinVar aggregate classification (germline): Uncertain significance (1 of 4 stars; one submission).

gnomAD v4.1: 1 of 1,614,110 alleles (0.000062%); highest among the groups gnomAD compares: South Asian, 0.0011%; no homozygotes.

Submission:

Labcorp Genetics (formerly Invitae), Labcorp
Classification: Uncertain significance. Last evaluated: 2025-02-25. Review status: criteria provided, single submitter. Criteria: Invitae Variant Classification Sherloc (09022015). Collection method: clinical testing. Allele origin: germline.
Comment: This sequence change replaces cysteine, which is neutral and slightly polar, with tyrosine, which is neutral and polar, at codon 45 of the ADGRE2 protein (p.Cys45Tyr). This variant is present in population databases (rs764094291, gnomAD 0.003%). This variant has not been reported in the literature in individuals affected with ADGRE2-related conditions. An algorithm developed to predict the effect of missense changes on protein structure and function (PolyPhen-2) suggests that this variant is likely to be disruptive. In summary, the available evidence is currently insufficient to determine the role of this variant in disease. Therefore, it has been classified as a Variant of Uncertain Significance.